The following is an entry in ClinVar:

NM_001211.6(BUB1B):c.2143+15C>T

Gene: BUB1B (BUB1 mitotic checkpoint serine/threonine kinase B; plus strand). Cytogenetic location: 15q15.1.
Variant type: single nucleotide variant.
Coding change: c.2143+15C>T on transcript NM_001211.6 (MANE Select); 15 bases into the intron after coding-DNA position 2143, C replaced by T.
Molecular consequence: intron variant.
Genome position (GRCh38, 1-based): chr15:40,208,785, C>T. VCF-style: chr15-40208785-C-T. GRCh37 (hg19) VCF-style: chr15-40500986-C-T.
Identifiers: ClinVar variation 257634 (VCV000257634.21), dbSNP rs11630664, ClinGen allele CA7475961.

ClinVar aggregate classification (germline): Benign. Review status: criteria provided, multiple submitters, no conflicts (2 of 4 stars). 9 submissions from 8 submitters: Benign (9). Last evaluated 2026-02-04.

Conditions:
Colorectal cancer. Also called: Colorectal cancer, somatic; Malignant Colorectal Neoplasm. Identifiers: MedGen C0346629, MONDO:0005575, OMIM 114500.
Mosaic variegated aneuploidy syndrome 1 (MVA1). Also called: Warburton-Anyane-Yeboa syndrome. Identifiers: Orphanet 1052, MedGen C1850343, MONDO:0009759, OMIM 257300.
Premature chromatid separation trait (PCS). Also called: TOTAL PREMATURE CHROMATID SEPARATION TRAIT. Identifiers: MedGen C1864389, MONDO:0008304, OMIM 176430.

Allele frequency attached by ClinVar (database versions not stated): 1000 Genomes Project 0.39696; 1000 Genomes Project 30x 0.39881; TOPMed 0.44738; gnomAD 0.46174 and 0.46333; ESP Exome Variant Server 0.46671; ExAC 0.49157.
gnomAD v4.1: 841,037 of 1,599,102 alleles (53%); highest among the groups gnomAD compares: Non-Finnish European, 56%; 226,339 homozygotes.

Submissions (9):

Labcorp Genetics (formerly Invitae), Labcorp
Classification: Benign for Mosaic variegated aneuploidy syndrome 1. Last evaluated: 2026-02-04. Review status: criteria provided, single submitter. Criteria: Invitae Variant Classification Sherloc (09022015). Collection method: clinical testing. Allele origin: germline.

KCCC/NGS Laboratory, Kuwait Cancer Control Center
Classification: Benign for Premature chromatid separation trait. Last evaluated: 2025-02-01. Review status: criteria provided, single submitter. Criteria: ACMG Guidelines, 2015. Collection method: clinical testing. Allele origin: germline. Affected: no.

Blueprint Genetics
Classification: Benign. Last evaluated: 2024-11-27. Review status: criteria provided, single submitter. Criteria: ACMG Guidelines, 2015. Collection method: clinical testing. Allele origin: germline.

KCCC/NGS Laboratory, Kuwait Cancer Control Center
Classification: Benign for Colorectal cancer. Last evaluated: 2023-07-07. Review status: criteria provided, single submitter. Criteria: ACMG Guidelines, 2015. Collection method: clinical testing. Allele origin: germline. Affected: yes.

Genome-Nilou Lab
Classification: Benign for Mosaic variegated aneuploidy syndrome 1. Last evaluated: 2021-07-14. Review status: criteria provided, single submitter. Criteria: ACMG Guidelines, 2015. Collection method: clinical testing. Allele origin: germline. Affected: no.

GeneDx
Classification: Benign. Last evaluated: 2019-01-10. Review status: criteria provided, single submitter. Criteria: GeneDx Variant Classification Process June 2021. Collection method: clinical testing. Allele origin: germline. Affected: yes.

Laboratory for Molecular Medicine, Mass General Brigham Personalized Medicine
Classification: Benign. Last evaluated: 2016-03-28. Review status: criteria provided, single submitter. Criteria: LMM Criteria. Collection method: clinical testing. Allele origin: germline.
Comment: Variant identified in a genome or exome case(s) and assessed due to predicted null impact of the variant or pathogenic assertions in the literature or databases. Disclaimer: This variant has not undergone full assessment. The following are preliminary notes: Frequency

Breakthrough Genomics
Classification: Benign. Review status: criteria provided, single submitter. Criteria: ACMG Guidelines, 2015. Collection method: not provided. Allele origin: germline. Inheritance: Autosomal dominant inheritance. Affected: yes.

PreventionGenetics, part of Exact Sciences
Classification: Benign. Review status: criteria provided, single submitter. Criteria: ACMG Guidelines, 2015. Collection method: clinical testing. Allele origin: germline.